The following is an entry in ClinVar:

NM_003331.5(TYK2):c.1711C>T (p.Pro571Ser)

Gene: TYK2 (tyrosine kinase 2; minus strand). Cytogenetic location: 19p13.2.
Variant type: single nucleotide variant.
Coding change: c.1711C>T on transcript NM_003331.5 (MANE Select); coding-DNA position 1711, C replaced by T.
Protein change: p.Pro571Ser; replaces proline 571 with serine.
Molecular consequence: missense variant.
Genome position (GRCh38, 1-based): chr19:10,362,140, G>A on the plus strand (C>T on the coding strand, the complement: TYK2 is on the minus strand). VCF-style: chr19-10362140-G-A. GRCh37 (hg19) VCF-style: chr19-10472816-G-A.
Other names: short protein forms P571S.
Identifiers: ClinVar variation 843753 (VCV000843753.8), dbSNP rs867249402, ClinGen allele CA305204456.

ClinVar aggregate classification (germline): Uncertain significance. Review status: criteria provided, multiple submitters, no conflicts (2 of 4 stars). 2 submissions from 2 submitters: Uncertain significance (2). Last evaluated 2025-10-01.

Conditions:
Immunodeficiency 35 (IMD35). Also called: Susceptibility to infection due to TYK2 deficiency; TYK2 DEFICIENCY; HIES WITH ATYPICAL MYCOBACTERIOSIS, AUTOSOMAL RECESSIVE; HYPER-IgE SYNDROME WITH ATYPICAL MYCOBACTERIOSIS, AUTOSOMAL RECESSIVE. Identifiers: Orphanet 331226, MedGen C1969086, MONDO:0012682, OMIM 611521.
Inborn genetic diseases. Identifiers: MedGen C0950123, MeSH D030342.

Allele frequency attached by ClinVar (database versions not stated): gnomAD exomes 0.00001; TOPMed 0.00006; gnomAD 0.00007.

Submissions (2):

Ambry Genetics
Classification: Uncertain significance for Inborn genetic diseases. Last evaluated: 2025-10-01. Review status: criteria provided, single submitter. Criteria: Ambry Variant Classification Scheme 2023. Collection method: clinical testing. Allele origin: germline.

Labcorp Genetics (formerly Invitae), Labcorp
Classification: Uncertain significance for Immunodeficiency 35. Last evaluated: 2022-07-26. Review status: criteria provided, single submitter. Criteria: Invitae Variant Classification Sherloc (09022015). Collection method: clinical testing. Allele origin: germline.
Comment: This sequence change replaces proline, which is neutral and non-polar, with serine, which is neutral and polar, at codon 571 of the TYK2 protein (p.Pro571Ser). This variant is present in population databases (no rsID available, gnomAD 0.02%). This variant has not been reported in the literature in individuals affected with TYK2-related conditions. ClinVar contains an entry for this variant (Variation ID: 843753). Algorithms developed to predict the effect of missense changes on protein structure and function output the following: SIFT: "Not Available"; PolyPhen-2: "Benign"; Align-GVGD: "Not Available". The serine amino acid residue is found in multiple mammalian species, which suggests that this missense change does not adversely affect protein function. In summary, the available evidence is currently insufficient to determine the role of this variant in disease. Therefore, it has been classified as a Variant of Uncertain Significance.